The following is an entry in ClinVar:

ClinVar aggregate classification (germline): Uncertain significance (1 of 4 stars; one submission).

Conditions:
Tall stature-scoliosis-macrodactyly of the great toes syndrome. Also called: Epiphyseal chondrodysplasia, miura type. Identifiers: Orphanet 329191, MedGen C4014690, MONDO:0014401, OMIM 615923.
Acromesomelic dysplasia 1, Maroteaux type (AMD1). Also called: ST. HELENA DYSPLASIA; ACROMESOMELIC DYSPLASIA 1. Identifiers: Orphanet 40, MedGen C1864356, MONDO:0011275, OMIM 602875.

Allele frequency attached by ClinVar (database versions not stated): gnomAD exomes below 0.00001; TOPMed 0.00001.
gnomAD v4.1: 5 of 1,614,056 alleles (0.00031%); highest among the groups gnomAD compares: Non-Finnish European, 0.00042%; no homozygotes.

Submission:

Labcorp Genetics (formerly Invitae), Labcorp
Classification: Uncertain significance for Tall stature-scoliosis-macrodactyly of the great toes syndrome; Acromesomelic dysplasia 1, Maroteaux type. Last evaluated: 2022-05-07. Review status: criteria provided, single submitter. Criteria: Invitae Variant Classification Sherloc (09022015). Collection method: clinical testing. Allele origin: germline.
Comment: In summary, the available evidence is currently insufficient to determine the role of this variant in disease. Therefore, it has been classified as a Variant of Uncertain Significance. Algorithms developed to predict the effect of missense changes on protein structure and function are either unavailable or do not agree on the potential impact of this missense change (SIFT: "Deleterious"; PolyPhen-2: "Benign"; Align-GVGD: "Class C55"). This variant has not been reported in the literature in individuals affected with NPR2-related conditions. This variant is not present in population databases (gnomAD no frequency). This sequence change replaces glycine, which is neutral and non-polar, with serine, which is neutral and polar, at codon 525 of the NPR2 protein (p.Gly525Ser).

NM_003995.4(NPR2):c.1573G>A (p.Gly525Ser)

Gene: NPR2 (natriuretic peptide receptor 2; plus strand). Cytogenetic location: 9p13.3.
Variant type: single nucleotide variant.
Coding change: c.1573G>A on transcript NM_003995.4 (MANE Select); coding-DNA position 1573, G replaced by A.
Protein change: p.Gly525Ser; replaces glycine 525 with serine.
Molecular consequence: missense variant.
Genome position (GRCh38, 1-based): chr9:35,801,941, G>A. VCF-style: chr9-35801941-G-A. GRCh37 (hg19) VCF-style: chr9-35801938-G-A.
Other names: c.1582G>A, p.Gly528Ser (NM_001378923.1); short protein forms G528S, G525S.
Identifiers: ClinVar variation 1982592 (VCV001982592.4), dbSNP rs1828182375, ClinGen allele CA373373169.